The following is an entry in ClinVar:

ClinVar aggregate classification (germline): Uncertain significance (1 of 4 stars; one submission).

Conditions:
Inborn genetic diseases. Identifiers: MedGen C0950123, MeSH D030342.

gnomAD v4.1: 1 of 1,614,156 alleles (0.000062%); highest among the groups gnomAD compares: Non-Finnish European, 0.000085%; no homozygotes.

Submission:

Ambry Genetics
Classification: Uncertain significance for Inborn genetic diseases. Last evaluated: 2026-07-16. Review status: criteria provided, single submitter. Criteria: Ambry Variant Classification Scheme 2023. Collection method: clinical testing. Allele origin: germline.
Comment: The c.2065G>C (p.V689L) alteration is located in exon 8 (coding exon 8) of the ADCY5 gene. This alteration results from a G to C substitution at nucleotide position 2065, causing the valine (V) at amino acid position 689 to be replaced by a leucine (L). Based on data from gnomAD, the C allele has an overall frequency of <0.001% (1/251398) total alleles studied. The highest observed frequency was 0.001% (1/113708) of European (non-Finnish) alleles. Based on insufficient or conflicting evidence, the clinical significance of this alteration remains unclear.

NM_183357.3(ADCY5):c.2065G>C (p.Val689Leu)

Gene: ADCY5 (adenylate cyclase 5; minus strand). Cytogenetic location: 3q21.1.
Variant type: single nucleotide variant.
Coding change: c.2065G>C on transcript NM_183357.3 (MANE Select); coding-DNA position 2065, G replaced by C.
Protein change: p.Val689Leu; replaces valine 689 with leucine.
Molecular consequence: missense variant.
Genome position (GRCh38, 1-based): chr3:123,325,345, C>G on the plus strand (G>C on the coding strand, the complement: ADCY5 is on the minus strand). VCF-style: chr3-123325345-C-G. GRCh37 (hg19) VCF-style: chr3-123044192-C-G.
Other names: c.1015G>C, p.Val339Leu (NM_001199642.1); c.2065G>C, p.Val689Leu (NM_001378259.1); short protein forms V339L, V689L.
Identifiers: ClinVar variation 5032951 (VCV005032951.1).